The following is an entry in ClinVar:

ClinVar aggregate classification (germline): Uncertain significance (1 of 4 stars; one submission).

Conditions:
Emery-Dreifuss muscular dystrophy 4, autosomal dominant (EDMD4). Also called: EMERY-DREIFUSS MUSCULAR DYSTROPHY 4 WITH VARIABLE FEATURES. Identifiers: Orphanet 261, MedGen C2751807, MONDO:0013071, OMIM 612998.
Autosomal recessive ataxia, Beauce type. Also called: Spinocerebellar ataxia, autosomal recessive 8; ATAXIA, RECESSIVE, OF BEAUCE; SYNE1 Deficiency; SYNE1-Related Autosomal Recessive Cerebellar Ataxia. Identifiers: Orphanet 88644, MedGen C1853116, MONDO:0012549, OMIM 610743.

Allele frequency attached by ClinVar (database versions not stated): gnomAD 0.00002 and 0.00003.
gnomAD v4.1: 29 of 1,613,992 alleles (0.0018%); highest among the groups gnomAD compares: African/African-American, 0.004%; no homozygotes.

Submission:

Labcorp Genetics (formerly Invitae), Labcorp
Classification: Uncertain significance for Emery-Dreifuss muscular dystrophy 4, autosomal dominant; Autosomal recessive ataxia, Beauce type. Last evaluated: 2022-08-06. Review status: criteria provided, single submitter. Criteria: Invitae Variant Classification Sherloc (09022015). Collection method: clinical testing. Allele origin: germline.
Comment: In summary, the available evidence is currently insufficient to determine the role of this variant in disease. Therefore, it has been classified as a Variant of Uncertain Significance. Algorithms developed to predict the effect of missense changes on protein structure and function are either unavailable or do not agree on the potential impact of this missense change (SIFT: "Deleterious"; PolyPhen-2: "Probably Damaging"; Align-GVGD: "Class C0"). ClinVar contains an entry for this variant (Variation ID: 1413734). This variant has not been reported in the literature in individuals affected with SYNE1-related conditions. This variant is present in population databases (no rsID available, gnomAD 0.003%). This sequence change replaces arginine, which is basic and polar, with tryptophan, which is neutral and slightly polar, at codon 7794 of the SYNE1 protein (p.Arg7794Trp).

NM_182961.4(SYNE1):c.23593C>T (p.Arg7865Trp)

Gene: SYNE1 (spectrin repeat containing nuclear envelope protein 1; minus strand). Cytogenetic location: 6q25.2.
Variant type: single nucleotide variant.
Coding change: c.23593C>T on transcript NM_182961.4 (MANE Select); coding-DNA position 23593, C replaced by T.
Protein change: p.Arg7865Trp; replaces arginine 7865 with tryptophan.
Molecular consequence: missense variant.
Genome position (GRCh38, 1-based): chr6:152,176,428, G>A on the plus strand (C>T on the coding strand, the complement: SYNE1 is on the minus strand). VCF-style: chr6-152176428-G-A. GRCh37 (hg19) VCF-style: chr6-152497563-G-A.
Other names: c.199C>T, p.Arg67Trp (NM_001347701.2); c.23380C>T, p.Arg7794Trp (NM_033071.5); short protein forms R7794W, R67W, R7865W.
Identifiers: ClinVar variation 1413734 (VCV001413734.6), dbSNP rs749900550, ClinGen allele CA366090253.
Genomic context (GRCh38, chr6:152,176,428, plus strand): 5'-GCCCTATTGACTCAGGTCCTCTTTACCTGGCTGCAATGAGGTCCAGGAGATGCTGCCACC[G>A]GTCGTTGACCTTTCCCAGCTTGTATTCAATCTCAGATGCTTTGCTTTCATGGCTGGCTTT-3'
Protein context (NP_892006.3, residues 7855-7875): IEYKLGKVND[Arg7865Trp]WQHLLDLIAA